The following is an entry in ClinVar:

ClinVar aggregate classification (germline): Benign/Likely benign. Review status: criteria provided, multiple submitters, no conflicts (2 of 4 stars). 3 submissions from 3 submitters: Benign (1); Likely benign (2). Last evaluated 2026-01-25.

Conditions:
Hereditary cancer-predisposing syndrome. Also called: Hereditary neoplastic syndrome; Neoplastic Syndromes, Hereditary; Hereditary Cancer Syndrome; Tumor predisposition. Identifiers: Orphanet 140162, MedGen C0027672, MeSH D009386, MONDO:0015356.
Pheochromocytoma/paraganglioma syndrome 4. Also called: SDHB-Related Hereditary Paraganglioma-Pheochromocytoma Syndrome; PARAGANGLIOMA, FAMILIAL MALIGNANT; PARAGANGLIOMAS, HEREDITARY EXTRAADRENAL; PHEOCHROMOCYTOMA, FAMILIAL EXTRAADRENAL; Paragangliomas 4; CAROTID BODY TUMORS AND MULTIPLE EXTRAADRENAL PHEOCHROMOCYTOMAS. Identifiers: Orphanet 29072, MedGen C1861848, MONDO:0007273, OMIM 115310.
Pheochromocytoma. Also called: MAX-Related Hereditary Paraganglioma-Pheochromocytoma Syndrome. Identifiers: Orphanet 29072, MedGen C0031511, MONDO:0008233, OMIM 171300, HP:0002666.
Gastrointestinal stromal tumor. Also called: Gastrointestinal stromal tumor, somatic; Gastrointestinal stroma tumor. Identifiers: Orphanet 44890, MedGen C0238198, MeSH D046152, MONDO:0011719, OMIM 606764, HP:0100723.

Submissions (3):

Labcorp Genetics (formerly Invitae), Labcorp
Classification: Likely benign for Gastrointestinal stromal tumor; Pheochromocytoma/paraganglioma syndrome 4; Pheochromocytoma. Last evaluated: 2026-01-25. Review status: criteria provided, single submitter. Criteria: Invitae Variant Classification Sherloc (09022015). Collection method: clinical testing. Allele origin: germline.

Myriad Genetics, Inc.
Classification: Benign for Pheochromocytoma/paraganglioma syndrome 4. Last evaluated: 2025-03-13. Review status: criteria provided, single submitter. Criteria: Myriad Autosomal Dominant, Autosomal Recessive and X-Linked Classification Criteria (2023). Collection method: clinical testing. Allele origin: unknown.
Comment: This variant is considered benign. This variant is a silent/synonymous amino acid change and it is not expected to impact splicing.

Ambry Genetics
Classification: Likely benign for Hereditary cancer-predisposing syndrome. Last evaluated: 2020-10-25. Review status: criteria provided, single submitter. Criteria: Ambry Variant Classification Scheme 2023. Collection method: clinical testing. Allele origin: germline.

NM_003000.3(SDHB):c.480G>A (p.Lys160=)

Gene: SDHB (succinate dehydrogenase complex iron sulfur subunit B; minus strand). Cytogenetic location: 1p36.13.
Variant type: single nucleotide variant.
Coding change: c.480G>A on transcript NM_003000.3 (MANE Select); coding-DNA position 480, G replaced by A.
Protein change: p.Lys160=; no amino-acid change (lysine 160 retained).
Molecular consequence: synonymous variant.
Genome position (GRCh38, 1-based): chr1:17,027,809, C>T on the plus strand (G>A on the coding strand, the complement: SDHB is on the minus strand). VCF-style: chr1-17027809-C-T. GRCh37 (hg19) VCF-style: chr1-17354304-C-T.
Identifiers: ClinVar variation 528756 (VCV000528756.13), dbSNP rs1553177683, ClinGen allele CA416086043.